The following is an entry in ClinVar:

NM_001429.4(EP300):c.1739G>A (p.Arg580Gln)

Gene: EP300 (EP300 lysine acetyltransferase; plus strand). Cytogenetic location: 22q13.2.
Variant type: single nucleotide variant.
Coding change: c.1739G>A on transcript NM_001429.4 (MANE Select); coding-DNA position 1739, G replaced by A.
Protein change: p.Arg580Gln; replaces arginine 580 with glutamine.
Molecular consequence: missense variant.
Genome position (GRCh38, 1-based): chr22:41,137,769, G>A. VCF-style: chr22-41137769-G-A. GRCh37 (hg19) VCF-style: chr22-41533773-G-A.
Other names: c.1739G>A, p.Arg580Gln (NM_001362843.2); short protein forms R580Q.
Identifiers: ClinVar variation 3619170 (VCV003619170.4).

ClinVar aggregate classification (germline): Conflicting classifications of pathogenicity. Review status: criteria provided, conflicting classifications (1 of 4 stars). 3 submissions from 3 submitters: Likely pathogenic (1); Uncertain significance (2). Last evaluated 2026-07-01.

Conditions:
Rubinstein-Taybi syndrome due to EP300 haploinsufficiency. Also called: RUBINSTEIN-TAYBI SYNDROME 2; EP300-Related Rubinstein-Taybi Syndrome. Identifiers: Orphanet 353284, Orphanet 783, MedGen C3150941, MONDO:0013364, OMIM 613684.

Submissions (3):

CeGaT Center for Human Genetics Tuebingen
Classification: Uncertain significance. Last evaluated: 2026-07-01. Review status: criteria provided, single submitter. Criteria: CeGaT Center For Human Genetics Tuebingen Variant Classification Criteria Version 2. Collection method: clinical testing. Allele origin: germline. Affected: yes. Observed: 1 variant allele.
Comment: EP300: PM2, PP3

Labcorp Genetics (formerly Invitae), Labcorp
Classification: Likely pathogenic for Rubinstein-Taybi syndrome due to EP300 haploinsufficiency. Last evaluated: 2025-01-24. Review status: criteria provided, single submitter. Criteria: Invitae Variant Classification Sherloc (09022015). Collection method: clinical testing. Allele origin: germline.
Comment: This sequence change replaces arginine, which is basic and polar, with glutamine, which is neutral and polar, at codon 580 of the EP300 protein (p.Arg580Gln). This variant is not present in population databases (gnomAD no frequency). This missense change has been observed in individual(s) with EP300-related conditions (external communications). In at least one individual the variant was observed to be de novo. Invitae Evidence Modeling of protein sequence and biophysical properties (such as structural, functional, and spatial information, amino acid conservation, physicochemical variation, residue mobility, and thermodynamic stability) indicates that this missense variant is expected to disrupt EP300 protein function with a positive predictive value of 80%. In summary, the currently available evidence indicates that the variant is pathogenic, but additional data are needed to prove that conclusively. Therefore, this variant has been classified as Likely Pathogenic.

Blueprint Genetics
Classification: Uncertain significance. Last evaluated: 2021-03-12. Review status: criteria provided, single submitter. Criteria: ACMG Guidelines, 2015. Collection method: clinical testing. Allele origin: germline.